The following is an entry in ClinVar:

NM_198586.3(NHLRC1):c.584A>G (p.Asp195Gly)

Gene: NHLRC1 (NHL repeat containing E3 ubiquitin protein ligase 1; minus strand). Cytogenetic location: 6p22.3.
Variant type: single nucleotide variant.
Coding change: c.584A>G on transcript NM_198586.3 (MANE Select); coding-DNA position 584, A replaced by G.
Protein change: p.Asp195Gly; replaces aspartic acid 195 with glycine.
Molecular consequence: missense variant.
Genome position (GRCh38, 1-based): chr6:18,122,023, T>C on the plus strand (A>G on the coding strand, the complement: NHLRC1 is on the minus strand). VCF-style: chr6-18122023-T-C. GRCh37 (hg19) VCF-style: chr6-18122254-T-C.
Other names: short protein forms D195G.
Identifiers: ClinVar variation 578187 (VCV000578187.9), dbSNP rs367649330, ClinGen allele CA134959916.

ClinVar aggregate classification (germline): Uncertain significance (1 of 4 stars; one submission).

Conditions:
Lafora disease. Also called: Epilepsy progressive myoclonic 2; Progressive Myoclonus Epilepsy, Lafora Type. Identifiers: Orphanet 501, MedGen C0751783, MONDO:0009697.

Allele frequency attached by ClinVar (database versions not stated): gnomAD exomes below 0.00001; gnomAD 0.00001; TOPMed 0.00001; ESP Exome Variant Server 0.00008.

Submission:

Labcorp Genetics (formerly Invitae), Labcorp
Classification: Uncertain significance for Lafora disease. Last evaluated: 2025-02-24. Review status: criteria provided, single submitter. Criteria: Invitae Variant Classification Sherloc (09022015). Collection method: clinical testing. Allele origin: germline.
Comment: This sequence change replaces aspartic acid, which is acidic and polar, with glycine, which is neutral and non-polar, at codon 195 of the NHLRC1 protein (p.Asp195Gly). This variant is present in population databases (rs367649330, gnomAD 0.007%). This variant has not been reported in the literature in individuals affected with NHLRC1-related conditions. ClinVar contains an entry for this variant (Variation ID: 578187). Invitae Evidence Modeling of protein sequence and biophysical properties (such as structural, functional, and spatial information, amino acid conservation, physicochemical variation, residue mobility, and thermodynamic stability) has been performed for this missense variant. However, the output from this modeling did not meet the statistical confidence thresholds required to predict the impact of this variant on NHLRC1 protein function. In summary, the available evidence is currently insufficient to determine the role of this variant in disease. Therefore, it has been classified as a Variant of Uncertain Significance.